The following is an entry in ClinVar:

NM_001174147.2(LMX1B):c.742-7G>C

Gene: LMX1B (LIM homeobox transcription factor 1 beta; plus strand). Cytogenetic location: 9q33.3.
Variant type: single nucleotide variant.
Coding change: c.742-7G>C on transcript NM_001174147.2 (MANE Select); 7 bases into the intron before coding-DNA position 742, G replaced by C.
Molecular consequence: intron variant.
Genome position (GRCh38, 1-based): chr9:126,693,517, G>C. VCF-style: chr9-126693517-G-C. GRCh37 (hg19) VCF-style: chr9-129455796-G-C.
Other names: c.742-7G>C (NM_001174146.2, NM_002316.4).
Identifiers: ClinVar variation 364885 (VCV000364885.6), dbSNP rs534963836, ClinGen allele CA10626360.

ClinVar aggregate classification (germline): Uncertain significance. Review status: criteria provided, multiple submitters, no conflicts (2 of 4 stars). 2 submissions from 2 submitters: Uncertain significance (2). Last evaluated 2019-09-05.

Conditions:
Nail-patella syndrome (NPS). Also called: FONG DISEASE; ONYCHOOSTEODYSPLASIA; TURNER-KIESER SYNDROME. Identifiers: Orphanet 2614, MedGen C0027341, MONDO:0008061, OMIM 161200.

Allele frequency attached by ClinVar (database versions not stated): TOPMed 0.00002; gnomAD 0.00005; 1000 Genomes Project 30x 0.00016; 1000 Genomes Project 0.00020.
gnomAD v4.1: 15 of 1,613,830 alleles (0.00093%); highest among the groups gnomAD compares: African/African-American, 0.02%; no homozygotes.

Submissions (2):

GeneDx
Classification: Uncertain significance. Last evaluated: 2019-09-05. Review status: criteria provided, single submitter. Criteria: GeneDx Variant Classification Process June 2021. Collection method: clinical testing. Allele origin: germline. Affected: yes.
Comment: In silico analysis, which includes splice predictors and evolutionary conservation, suggests this variant may impact gene splicing. In the absence of RNA/functional studies, the actual effect of this sequence change is unknown.; Has not been previously published as pathogenic or benign to our knowledge

Illumina Laboratory Services, Illumina
Classification: Uncertain significance for Nail-patella syndrome. Last evaluated: 2018-01-12. Review status: criteria provided, single submitter. Criteria: ICSL Variant Classification Criteria 13 December 2019. Collection method: clinical testing. Allele origin: germline.